The following is an entry in ClinVar:

ClinVar aggregate classification (germline): Pathogenic (1 of 4 stars; one submission).

Conditions:
Myoclonic dystonia 11 (DYT11). Also called: Myoclonic dystonia; Dystonia 11; Dystonia, alcohol responsive; Hereditary essential myoclonus; SGCE Myoclonus-Dystonia; Myoclonus-Dystonia. Identifiers: Orphanet 36899, MedGen C1834570, MONDO:0008044, OMIM 159900.

Submission:

Labcorp Genetics (formerly Invitae), Labcorp
Classification: Pathogenic for Myoclonic dystonia 11. Last evaluated: 2025-12-01. Review status: criteria provided, single submitter. Criteria: Invitae Variant Classification Sherloc (09022015). Collection method: clinical testing. Allele origin: germline.
Comment: This sequence change creates a premature translational stop signal (p.Asp269Glyfs*19) in the SGCE gene. It is expected to result in an absent or disrupted protein product. Loss-of-function variants in SGCE are known to be pathogenic (PMID: 12821748, 15389977, 17853490, 24297365). This variant is not present in population databases (gnomAD no frequency). This premature translational stop signal has been observed in individual(s) with SGCE-related conditions (PMID: 31956970). For these reasons, this variant has been classified as Pathogenic.

Literature cited by the submitters: PubMed 12821748; PubMed 15389977; PubMed 17853490; PubMed 24297365; PubMed 31956970.

NM_003919.3(SGCE):c.806_809del (p.Asp269fs)

Genes: CASD1 (CAS1 domain sialic acid O acetyltransferase 1; plus strand), SGCE (sarcoglycan epsilon; minus strand). Cytogenetic location: 7q21.3.
Variant type: Deletion.
Coding change: c.806_809del on transcript NM_003919.3 (MANE Select); coding-DNA positions 806 to 809, 4 bases deleted (ACTG; older notation c.806_809delACTG).
Protein change: p.Asp269fs; shifts the reading frame from aspartic acid 269.
Molecular consequence: frameshift variant.
Genome position (GRCh38, 1-based): chr7:94,603,306-94,603,309, CAGT deleted on the plus strand (ACTG on the coding strand, the reverse complement: SGCE is on the minus strand); deleting any 4 consecutive bases within chr7:94,603,306-94,603,311 gives the same sequence; the c. name uses the placement nearest the transcript's 3' end. VCF-style (leftmost placement, unchanged base first): chr7-94603305-CCAGT-C. GRCh37 (hg19) VCF-style: chr7-94232617-CCAGT-C.
Other names: c.806_809del, p.Asp269fs (NM_001099400.2, NM_001099401.2, NM_001346717.2); c.683_686del, p.Asp228fs (NM_001301139.2, NM_001362809.2); c.914_917del, p.Asp305fs (NM_001346713.2, NM_001346715.2); c.719_722del, p.Asp240fs (NM_001346719.2, NM_001362807.2); c.533_536del, p.Asp178fs (NM_001346720.2, NM_001362808.2); short protein forms D305fs, D240fs, D178fs, D269fs, D228fs.
Identifiers: ClinVar variation 4698267 (VCV004698267.1).